The following is an entry in ClinVar:

ClinVar aggregate classification (germline): Uncertain significance (1 of 4 stars; one submission).

Conditions:
Combined immunodeficiency due to LRBA deficiency. Also called: Common variable immunodeficiency 8, with autoimmunity. Identifiers: Orphanet 445018, MedGen C3553512, MONDO:0013863, OMIM 614700.

Submission:

Labcorp Genetics (formerly Invitae), Labcorp
Classification: Uncertain significance for Combined immunodeficiency due to LRBA deficiency. Last evaluated: 2021-11-10. Review status: criteria provided, single submitter. Criteria: Invitae Variant Classification Sherloc (09022015). Collection method: clinical testing. Allele origin: germline.
Comment: This sequence change replaces asparagine, which is neutral and polar, with isoleucine, which is neutral and non-polar, at codon 2073 of the LRBA protein (p.Asn2073Ile). This variant is present in population databases (no rsID available, gnomAD 0.007%). This variant has not been reported in the literature in individuals affected with LRBA-related conditions. Algorithms developed to predict the effect of missense changes on protein structure and function are either unavailable or do not agree on the potential impact of this missense change (SIFT: "Deleterious"; PolyPhen-2: "Benign"; Align-GVGD: "Class C0"). In summary, the available evidence is currently insufficient to determine the role of this variant in disease. Therefore, it has been classified as a Variant of Uncertain Significance.

NM_001364905.1(LRBA):c.6185A>T (p.Asn2062Ile)

Gene: LRBA (LPS responsive beige-like anchor protein; minus strand). Cytogenetic location: 4q31.3.
Variant type: single nucleotide variant.
Coding change: c.6185A>T on transcript NM_001364905.1 (MANE Select); coding-DNA position 6185, A replaced by T.
Protein change: p.Asn2062Ile; replaces asparagine 2062 with isoleucine.
Molecular consequence: missense variant.
Genome position (GRCh38, 1-based): chr4:150,590,721, T>A on the plus strand (A>T on the coding strand, the complement: LRBA is on the minus strand). VCF-style: chr4-150590721-T-A. GRCh37 (hg19) VCF-style: chr4-151511873-T-A.
Other names: c.6185A>T, p.Asn2062Ile (NM_001199282.3, NM_001367550.1); c.6218A>T, p.Asn2073Ile (NM_006726.5); short protein forms N2073I, N2062I.
Identifiers: ClinVar variation 1474346 (VCV001474346.6), dbSNP rs1033431224, ClinGen allele CA358605556.